The following is an entry in ClinVar:

ClinVar aggregate classification (germline): Uncertain significance (1 of 4 stars; one submission).

Conditions:
Progressive sclerosing poliodystrophy (MTDPS4A). Also called: ALPERS PROGRESSIVE INFANTILE POLIODYSTROPHY; NEURONAL DEGENERATION OF CHILDHOOD WITH LIVER DISEASE, PROGRESSIVE; Alpers Syndrome; ALPERS DIFFUSE DEGENERATION OF CEREBRAL GRAY MATTER WITH HEPATIC CIRRHOSIS; Alpers-Huttenlocher Syndrome; Mitochondrial DNA depletion syndrome 4A (Alpers type). Identifiers: Orphanet 726, MedGen C0205710, MONDO:0008758, OMIM 203700.

Submission:

Labcorp Genetics (formerly Invitae), Labcorp
Classification: Uncertain significance for Progressive sclerosing poliodystrophy. Last evaluated: 2024-05-29. Review status: criteria provided, single submitter. Criteria: Invitae Variant Classification Sherloc (09022015). Collection method: clinical testing. Allele origin: germline.
Comment: This sequence change replaces proline, which is neutral and non-polar, with serine, which is neutral and polar, at codon 789 of the POLG protein (p.Pro789Ser). This variant is not present in population databases (gnomAD no frequency). This variant has not been reported in the literature in individuals affected with POLG-related conditions. Advanced modeling of protein sequence and biophysical properties (such as structural, functional, and spatial information, amino acid conservation, physicochemical variation, residue mobility, and thermodynamic stability) performed at Invitae indicates that this missense variant is not expected to disrupt POLG protein function with a negative predictive value of 95%. In summary, the available evidence is currently insufficient to determine the role of this variant in disease. Therefore, it has been classified as a Variant of Uncertain Significance.

NM_002693.3(POLG):c.2365C>T (p.Pro789Ser)

Gene: POLG (DNA polymerase gamma, catalytic subunit; minus strand). Cytogenetic location: 15q26.1.
Variant type: single nucleotide variant.
Coding change: c.2365C>T on transcript NM_002693.3 (MANE Select); coding-DNA position 2365, C replaced by T.
Protein change: p.Pro789Ser; replaces proline 789 with serine.
Molecular consequence: missense variant.
Genome position (GRCh38, 1-based): chr15:89,322,803, G>A on the plus strand (C>T on the coding strand, the complement: POLG is on the minus strand). VCF-style: chr15-89322803-G-A. GRCh37 (hg19) VCF-style: chr15-89866034-G-A.
Other names: c.2365C>T, p.Pro789Ser (NM_001126131.2); short protein forms P789S.
Identifiers: ClinVar variation 3678252 (VCV003678252.2).